The following is an entry in ClinVar:

ClinVar aggregate classification (germline): Uncertain significance (1 of 4 stars; one submission).

Conditions:
Joubert syndrome 21 (JBTS21). Identifiers: MedGen C3810212, MONDO:0014288, OMIM 615636.

Allele frequency attached by ClinVar (database versions not stated): gnomAD exomes 0.00001.
gnomAD v4.1: 22 of 1,502,134 alleles (0.0015%); highest among the groups gnomAD compares: East Asian, 0.021%; no homozygotes.

Submission:

Labcorp Genetics (formerly Invitae), Labcorp
Classification: Uncertain significance for Joubert syndrome 21. Last evaluated: 2021-09-24. Review status: criteria provided, single submitter. Criteria: Invitae Variant Classification Sherloc (09022015). Collection method: clinical testing. Allele origin: germline.
Comment: In summary, the available evidence is currently insufficient to determine the role of this variant in disease. Therefore, it has been classified as a Variant of Uncertain Significance. Algorithms developed to predict the effect of missense changes on protein structure and function output the following: SIFT: "Tolerated"; PolyPhen-2: "Benign"; Align-GVGD: "Class C0". The glutamine amino acid residue is found in multiple mammalian species, which suggests that this missense change does not adversely affect protein function. This variant has not been reported in the literature in individuals affected with CSPP1-related conditions. This variant is present in population databases (rs771386855, ExAC 0.02%). This sequence change replaces arginine with glutamine at codon 606 of the CSPP1 protein (p.Arg606Gln). The arginine residue is highly conserved and there is a small physicochemical difference between arginine and glutamine.

NM_001382391.1(CSPP1):c.1832G>A (p.Arg611Gln)

Gene: CSPP1 (centrosome and spindle pole associated protein 1; plus strand). Cytogenetic location: 8q13.2.
Variant type: single nucleotide variant.
Coding change: c.1832G>A on transcript NM_001382391.1 (MANE Select); coding-DNA position 1832, G replaced by A.
Protein change: p.Arg611Gln; replaces arginine 611 with glutamine.
Molecular consequence: missense variant.
Genome position (GRCh38, 1-based): chr8:67,137,460, G>A. VCF-style: chr8-67137460-G-A. GRCh37 (hg19) VCF-style: chr8-68049695-G-A.
Other names: c.935G>A, p.Arg312Gln (NM_001291339.2); c.1751G>A, p.Arg584Gln (NM_001363131.2); c.1790G>A, p.Arg597Gln (NM_001363132.2); c.1709G>A, p.Arg570Gln (NM_001363133.2); c.1898G>A, p.Arg633Gln (NM_001364869.1); c.1718G>A, p.Arg573Gln (NM_001364870.1); c.1817G>A, p.Arg606Gln (NM_024790.7); short protein forms R312Q, R611Q, R570Q, R573Q, R633Q, R597Q, R606Q, R584Q.
Identifiers: ClinVar variation 1513067 (VCV001513067.4), dbSNP rs771386855, ClinGen allele CA4770678.
Genomic context (GRCh38, chr8:67,137,460, plus strand): 5'-TTCTTGTATCAGAATACTTGTCAGCGTTTATTTTAAATATATCTTATGTTGTCAAGATTC[G>A]GGAAAGAGAAGAAAGAAGGAAGAAAGAACGTGAAGAAAAAGAAGAATATGAAGCTAAATT-3'
Protein context (NP_001369320.1, residues 601-621): SYQEALQQQI[Arg611Gln]EREERRKKER